The following is an entry in ClinVar:

NM_003791.4(MBTPS1):c.2310C>T (p.Ser770=)

Gene: MBTPS1 (membrane bound transcription factor peptidase, site 1; minus strand). Cytogenetic location: 16q23.3.
Variant type: single nucleotide variant.
Coding change: c.2310C>T on transcript NM_003791.4 (MANE Select); coding-DNA position 2310, C replaced by T.
Protein change: p.Ser770=; no amino-acid change (serine 770 retained).
Molecular consequence: synonymous variant.
Genome position (GRCh38, 1-based): chr16:84,066,532, G>A on the plus strand (C>T on the coding strand, the complement: MBTPS1 is on the minus strand). VCF-style: chr16-84066532-G-A. GRCh37 (hg19) VCF-style: chr16-84100137-G-A.
Identifiers: ClinVar variation 764052 (VCV000764052.10), dbSNP rs190946033, ClinGen allele CA8200976.

ClinVar aggregate classification (germline): Likely benign. Review status: criteria provided, single submitter (1 of 4 stars). 2 submissions from 2 submitters: Likely benign (1). 1 of the submissions does not count toward it. Last evaluated 2026-01-18.

Conditions:
MBTPS1-related disorder. Also called: MBTPS1-related condition.

Allele frequency attached by ClinVar (database versions not stated): gnomAD exomes 0.00002 and 0.00006; ExAC 0.00004; gnomAD 0.00014 and 0.00015; 1000 Genomes Project 30x 0.00016; 1000 Genomes Project 0.00020; TOPMed 0.00022.
gnomAD v4.1: 56 of 1,614,126 alleles (0.0035%); highest among the groups gnomAD compares: Admixed American, 0.048%; no homozygotes.

Submissions (2):

Labcorp Genetics (formerly Invitae), Labcorp
Classification: Likely benign. Last evaluated: 2026-01-18. Review status: criteria provided, single submitter. Criteria: Invitae Variant Classification Sherloc (09022015). Collection method: clinical testing. Allele origin: germline.

PreventionGenetics, part of Exact Sciences
Classification: Likely benign for MBTPS1-related condition. Last evaluated: 2019-06-17. Review status: no assertion criteria provided. Collection method: clinical testing. Allele origin: germline. Not counted in ClinVar's aggregate classification.
Comment: This variant is classified as likely benign based on ACMG/AMP sequence variant interpretation guidelines (Richards et al. 2015 PMID: 25741868, with internal and published modifications).